The following is an entry in ClinVar:

NM_004726.3(REPS2):c.1963C>T (p.Arg655Cys)

Gene: REPS2 (RALBP1 associated Eps domain containing 2; plus strand). Cytogenetic location: Xp22.2.
Variant type: single nucleotide variant.
Coding change: c.1963C>T on transcript NM_004726.3 (MANE Select); coding-DNA position 1963, C replaced by T.
Protein change: p.Arg655Cys; replaces arginine 655 with cysteine.
Molecular consequence: missense variant.
Genome position (GRCh38, 1-based): chrX:17,147,461, C>T. VCF-style: chrX-17147461-C-T. GRCh37 (hg19) VCF-style: chrX-17165584-C-T.
Other names: c.1960C>T, p.Arg654Cys (NM_001080975.2); short protein forms R654C, R655C.
Identifiers: ClinVar variation 4863228 (VCV004863228.1).
Genomic context (GRCh38, chrX:17,147,461, plus strand): 5'-TGTACAACTCAGGAGGTTCATCAAGAACGAATTGCATTGGAAAACCAATTGGAACAACTT[C>T]GTCCGGTCACTGTGTTGTGACCCCCCCATGGTTCAAGTGACAGTGGGTGACCTTGTCTGC-3'
Protein context (NP_004717.2, residues 645-660): IALENQLEQL[Arg655Cys]PVTVL

ClinVar aggregate classification (germline): Uncertain significance (1 of 4 stars; one submission).

gnomAD v4.1: 5 of 1,205,019 alleles (0.00041%); highest among the groups gnomAD compares: South Asian, 0.0018%; no homozygotes.

Submission:

Ambry Genetics
Classification: Uncertain significance. Last evaluated: 2026-04-06. Review status: criteria provided, single submitter. Criteria: Ambry Variant Classification Scheme 2023. Collection method: clinical testing. Allele origin: germline.
Comment: The c.1963C>T (p.R655C) alteration is located in exon 18 (coding exon 18) of the REPS2 gene. This alteration results from a C to T substitution at nucleotide position 1963, causing the arginine (R) at amino acid position 655 to be replaced by a cysteine (C). Based on data from gnomAD, the T allele has an overall frequency of 0.001% (1/180705) total alleles studied. The highest observed frequency was 0.001% (1/81119) of European (non-Finnish) alleles. Based on insufficient or conflicting evidence, the clinical significance of this alteration remains unclear.